The following is an entry in ClinVar:

NM_003482.4(KMT2D):c.6354C>T (p.Pro2118=)

Gene: KMT2D (lysine methyltransferase 2D; minus strand). Cytogenetic location: 12q13.12.
Variant type: single nucleotide variant.
Coding change: c.6354C>T on transcript NM_003482.4 (MANE Select); coding-DNA position 6354, C replaced by T.
Protein change: p.Pro2118=; no amino-acid change (proline 2118 retained).
Molecular consequence: synonymous variant.
Genome position (GRCh38, 1-based): chr12:49,041,416, G>A on the plus strand (C>T on the coding strand, the complement: KMT2D is on the minus strand). VCF-style: chr12-49041416-G-A. GRCh37 (hg19) VCF-style: chr12-49435199-G-A.
Identifiers: ClinVar variation 94236 (VCV000094236.83), dbSNP rs377392943, ClinGen allele CA222096.

ClinVar aggregate classification (germline): Conflicting classifications of pathogenicity. Review status: criteria provided, conflicting classifications (1 of 4 stars). 8 submissions from 8 submitters: Uncertain significance (1); Benign (2); Likely benign (2). 3 of the submissions do not count toward it. Last evaluated 2026-01-22.

Conditions:
KMT2D-related disorder. Also called: KMT2D-Related Disorders.
Kabuki syndrome. Also called: NIIKAWA-KUROKI SYNDROME; Kabuki make-up syndrome. Identifiers: Orphanet 2322, MedGen C0796004, MONDO:0016512.

Allele frequency attached by ClinVar (database versions not stated): gnomAD 0.00053 and 0.00056; ESP Exome Variant Server 0.00068; TOPMed 0.00073; 1000 Genomes Project 0.00080; 1000 Genomes Project 30x 0.00109.
gnomAD v4.1: 1,308 of 1,605,238 alleles (0.081%); highest among the groups gnomAD compares: Admixed American, 0.13%; 2 homozygotes.

Submissions (8):

Labcorp Genetics (formerly Invitae), Labcorp
Classification: Likely benign for Kabuki syndrome. Last evaluated: 2026-01-22. Review status: criteria provided, single submitter. Criteria: Invitae Variant Classification Sherloc (09022015). Collection method: clinical testing. Allele origin: germline.

Blueprint Genetics
Classification: Likely benign. Last evaluated: 2024-09-19. Review status: criteria provided, single submitter. Criteria: ACMG Guidelines, 2015. Collection method: clinical testing. Allele origin: germline.

CeGaT Center for Human Genetics Tuebingen
Classification: Benign. Last evaluated: 2022-07-01. Review status: criteria provided, single submitter. Criteria: CeGaT Center For Human Genetics Tuebingen Variant Classification Criteria Version 2. Collection method: clinical testing. Allele origin: germline. Affected: yes. Observed: 1 variant allele.
Comment: KMT2D: BS1, BS2

GeneDx
Classification: Benign. Last evaluated: 2020-07-20. Review status: criteria provided, single submitter. Criteria: GeneDx Variant Classification Process June 2021. Collection method: clinical testing. Allele origin: germline. Affected: yes.

Eurofins Ntd Llc (ga)
Classification: Uncertain significance. Last evaluated: 2016-06-22. Review status: criteria provided, single submitter. Criteria: EGL Classification Definitions 2015. Collection method: clinical testing. Allele origin: germline. Observed: 3 variant alleles, 3 heterozygotes.

PreventionGenetics, part of Exact Sciences
Classification: Benign for KMT2D-related condition. Last evaluated: 2019-08-27. Review status: no assertion criteria provided. Collection method: clinical testing. Allele origin: germline. Not counted in ClinVar's aggregate classification.
Comment: This variant is classified as benign based on ACMG/AMP sequence variant interpretation guidelines (Richards et al. 2015 PMID: 25741868, with internal and published modifications).

Clinical Genetics DNA and cytogenetics Diagnostics Lab, Erasmus MC, Erasmus Medical Center
Classification: Likely benign. Review status: no assertion criteria provided. Collection method: clinical testing. Allele origin: germline. Affected: yes. Study: VKGL Data-share Consensus. Not counted in ClinVar's aggregate classification.

Joint Genome Diagnostic Labs from Nijmegen and Maastricht, Radboudumc and MUMC+
Classification: Likely benign. Review status: no assertion criteria provided. Collection method: clinical testing. Allele origin: germline. Affected: yes. Study: VKGL Data-share Consensus. Not counted in ClinVar's aggregate classification.